The following is an entry in ClinVar:

ClinVar aggregate classification (germline): Uncertain significance (1 of 4 stars; one submission).

Conditions:
Catecholaminergic polymorphic ventricular tachycardia 1. Also called: VENTRICULAR TACHYCARDIA, STRESS-INDUCED POLYMORPHIC 1; RYR2-Related Catecholaminergic Polymorphic Ventricular Tachycardia; VENTRICULAR TACHYCARDIA, CATECHOLAMINERGIC POLYMORPHIC, 1, WITH OR WITHOUT ATRIAL DYSFUNCTION AND/OR DILATED CARDIOMYOPATHY. Identifiers: Orphanet 3286, MedGen C1631597, MONDO:0011484, OMIM 604772.

gnomAD v4.1: 6 of 1,613,998 alleles (0.00037%); highest among the groups gnomAD compares: Non-Finnish European, 0.00042%; no homozygotes.

Submission:

Labcorp Genetics (formerly Invitae), Labcorp
Classification: Uncertain significance for Catecholaminergic polymorphic ventricular tachycardia 1. Last evaluated: 2024-07-13. Review status: criteria provided, single submitter. Criteria: Invitae Variant Classification Sherloc (09022015). Collection method: clinical testing. Allele origin: germline.
Comment: This sequence change replaces phenylalanine, which is neutral and non-polar, with leucine, which is neutral and non-polar, at codon 1653 of the RYR2 protein (p.Phe1653Leu). This variant is not present in population databases (gnomAD no frequency). This variant has not been reported in the literature in individuals affected with RYR2-related conditions. Advanced modeling of protein sequence and biophysical properties (such as structural, functional, and spatial information, amino acid conservation, physicochemical variation, residue mobility, and thermodynamic stability) performed at Invitae indicates that this missense variant is expected to disrupt RYR2 protein function with a positive predictive value of 95%. In summary, the available evidence is currently insufficient to determine the role of this variant in disease. Therefore, it has been classified as a Variant of Uncertain Significance.

NM_001035.3(RYR2):c.4959T>G (p.Phe1653Leu)

Gene: RYR2 (ryanodine receptor 2; plus strand). Cytogenetic location: 1q43.
Variant type: single nucleotide variant.
Coding change: c.4959T>G on transcript NM_001035.3 (MANE Select); coding-DNA position 4959, T replaced by G.
Protein change: p.Phe1653Leu; replaces phenylalanine 1653 with leucine.
Molecular consequence: missense variant.
Genome position (GRCh38, 1-based): chr1:237,614,087, T>G. VCF-style: chr1-237614087-T-G. GRCh37 (hg19) VCF-style: chr1-237777387-T-G.
Other names: short protein forms F1653L.
Identifiers: ClinVar variation 3606167 (VCV003606167.2).